The following is an entry in ClinVar:

ClinVar aggregate classification (germline): Likely benign (0 of 4 stars; one submission).

Conditions:
CENPE-related disorder. Also called: CENPE-related condition.

Allele frequency attached by ClinVar (database versions not stated): gnomAD 0.00003; TOPMed 0.00003; gnomAD exomes 0.00007; ExAC 0.00014.

Submission:

PreventionGenetics, part of Exact Sciences
Classification: Likely benign for CENPE-related condition. Last evaluated: 2019-06-06. Review status: no assertion criteria provided. Collection method: clinical testing. Allele origin: germline.
Comment: This variant is classified as likely benign based on ACMG/AMP sequence variant interpretation guidelines (Richards et al. 2015 PMID: 25741868, with internal and published modifications).

NM_001813.3(CENPE):c.4248A>G (p.Leu1416=)

Gene: CENPE (centromere protein E; minus strand). Cytogenetic location: 4q24.
Variant type: single nucleotide variant.
Coding change: c.4248A>G on transcript NM_001813.3 (MANE Select); coding-DNA position 4248, A replaced by G.
Protein change: p.Leu1416=; no amino-acid change (leucine 1416 retained).
Molecular consequence: synonymous variant.
Genome position (GRCh38, 1-based): chr4:103,145,994, T>C on the plus strand (A>G on the coding strand, the complement: CENPE is on the minus strand). VCF-style: chr4-103145994-T-C. GRCh37 (hg19) VCF-style: chr4-104067151-T-C.
Other names: c.4173A>G, p.Leu1391= (NM_001286734.2).
Identifiers: ClinVar variation 3043965 (VCV003043965.2), dbSNP rs749483298, ClinGen allele CA3029877.